The following is an entry in ClinVar:

NM_000492.4(CFTR):c.1830A>T (p.Leu610Phe)

Gene: CFTR (CF transmembrane conductance regulator; plus strand). Cytogenetic location: 7q31.2.
Variant type: single nucleotide variant.
Coding change: c.1830A>T on transcript NM_000492.4 (MANE Select); coding-DNA position 1830, A replaced by T.
Protein change: p.Leu610Phe; replaces leucine 610 with phenylalanine.
Molecular consequence: missense variant.
Genome position (GRCh38, 1-based): chr7:117,591,997, A>T. VCF-style: chr7-117591997-A-T. GRCh37 (hg19) VCF-style: chr7-117232051-A-T.
Other names: short protein forms L610F.
Identifiers: ClinVar variation 699205 (VCV000699205.14), dbSNP rs1048183757, ClinGen allele CA368978234.

ClinVar aggregate classification (germline): Conflicting classifications of pathogenicity. Review status: criteria provided, conflicting classifications (1 of 4 stars). 2 submissions from 2 submitters: Uncertain significance (1); Likely benign (1). Last evaluated 2025-07-18.

Conditions:
Cystic fibrosis (CF). Also called: MUCOVISCIDOSIS. Identifiers: Orphanet 586, MedGen C0010674, MONDO:0009061, OMIM 219700. Disease mechanism: loss of function.

Allele frequency attached by ClinVar (database versions not stated): gnomAD 0.00001; gnomAD exomes below 0.00001; TOPMed below 0.00001.
gnomAD v4.1: 4 of 1,595,244 alleles (0.00025%); highest among the groups gnomAD compares: Non-Finnish European, 0.00034%; no homozygotes.

Submissions (2):

Ambry Genetics
Classification: Uncertain significance for Cystic fibrosis. Last evaluated: 2025-07-18. Review status: criteria provided, single submitter. Criteria: Ambry Variant Classification Scheme 2023. Collection method: clinical testing. Allele origin: germline.
Comment: The p.L610F variant (also known as c.1830A>T), located in coding exon 14 of the CFTR gene, results from an A to T substitution at nucleotide position 1830. The leucine at codon 610 is replaced by phenylalanine, an amino acid with highly similar properties. This amino acid position is highly conserved in available vertebrate species. In addition, this alteration is predicted to be deleterious by in silico analysis. Based on the available evidence, the clinical significance of this variant remains unclear.

Labcorp Genetics (formerly Invitae), Labcorp
Classification: Likely benign for Cystic fibrosis. Last evaluated: 2023-10-04. Review status: criteria provided, single submitter. Criteria: Invitae Variant Classification Sherloc (09022015). Collection method: clinical testing. Allele origin: germline.